The following is an entry in ClinVar:

NM_014140.4(SMARCAL1):c.580_583dup (p.Ala195fs)

Gene: SMARCAL1 (SNF2 related chromatin remodeling annealing helicase 1; plus strand). Cytogenetic location: 2q35.
Variant type: Duplication.
Coding change: c.580_583dup on transcript NM_014140.4 (MANE Select); coding-DNA positions 580 to 583, 4 bases duplicated (ACAG; older notation c.580_583dupACAG).
Protein change: p.Ala195fs; shifts the reading frame from alanine 195.
Molecular consequence: frameshift variant.
Genome position (GRCh38, 1-based): chr2:216,415,284-216,415,287, ACAG duplicated; duplicating any 4 consecutive bases within chr2:216,415,282-216,415,287 gives the same sequence; the c. name uses the placement nearest the transcript's 3' end. VCF-style (leftmost placement, unchanged base first): chr2-216415281-A-AAGAC. GRCh37 (hg19) VCF-style: chr2-217280004-A-AAGAC.
Other names: c.580_583dup, p.Ala195fs (NM_001127207.2); short protein forms A195fs.
Identifiers: ClinVar variation 2699771 (VCV002699771.3), dbSNP rs2469611590, ClinGen allele CA2697550374.

ClinVar aggregate classification (germline): Pathogenic (1 of 4 stars; one submission).

Conditions:
Schimke immuno-osseous dysplasia (SIOD). Also called: Schimke Immunoosseous Dysplasia. Identifiers: Orphanet 1830, MedGen C0877024, MONDO:0009458, OMIM 242900.

Submission:

Labcorp Genetics (formerly Invitae), Labcorp
Classification: Pathogenic for Schimke immuno-osseous dysplasia. Last evaluated: 2023-06-09. Review status: criteria provided, single submitter. Criteria: Invitae Variant Classification Sherloc (09022015). Collection method: clinical testing. Allele origin: germline.
Comment: For these reasons, this variant has been classified as Pathogenic. This variant has not been reported in the literature in individuals affected with SMARCAL1-related conditions. This variant is not present in population databases (gnomAD no frequency). This sequence change creates a premature translational stop signal (p.Ala195Aspfs*17) in the SMARCAL1 gene. It is expected to result in an absent or disrupted protein product. Loss-of-function variants in SMARCAL1 are known to be pathogenic (PMID: 11799392, 20301550).

Literature cited by the submitters: PubMed 11799392; PubMed 20301550.